The following is an entry in ClinVar:

NM_000051.4(ATM):c.4023del (p.Glu1342fs)

Gene: ATM (ATM serine/threonine kinase; plus strand). Cytogenetic location: 11q22.3.
Variant type: Deletion.
Coding change: c.4023del on transcript NM_000051.4 (MANE Select); coding-DNA position 4023, one base deleted (A; older notation c.4023delA).
Protein change: p.Glu1342fs; shifts the reading frame from glutamic acid 1342.
Molecular consequence: frameshift variant.
Genome position (GRCh38, 1-based): chr11:108,287,629, A deleted. VCF-style (leftmost placement, unchanged base first): chr11-108287628-CA-C. GRCh37 (hg19) VCF-style: chr11-108158355-CA-C.
Other names: c.4023del, p.Glu1342fs (NM_001351834.2); short protein forms E1342fs.
Identifiers: ClinVar variation 2715900 (VCV002715900.3), dbSNP rs2546897899, ClinGen allele CA2697556371.

ClinVar aggregate classification (germline): Pathogenic (1 of 4 stars; one submission).

Conditions:
Ataxia-telangiectasia syndrome (AT). Also called: AT, COMPLEMENTATION GROUP C; Ataxia telangiectasia (A-T); Ataxia-telangiectasia, complementation group D; Ataxia-telangiectasia, complementation group E; LOUIS-BAR SYNDROME; ATAXIA-TELANGIECTASIA, COMPLEMENTATION GROUP A. Identifiers: Orphanet 100, MedGen C0004135, MONDO:0008840, OMIM 208900.

Submission:

Labcorp Genetics (formerly Invitae), Labcorp
Classification: Pathogenic for Ataxia-telangiectasia syndrome. Last evaluated: 2023-06-15. Review status: criteria provided, single submitter. Criteria: Invitae Variant Classification Sherloc (09022015). Collection method: clinical testing. Allele origin: germline.
Comment: For these reasons, this variant has been classified as Pathogenic. This variant has not been reported in the literature in individuals affected with ATM-related conditions. This variant is not present in population databases (gnomAD no frequency). This sequence change creates a premature translational stop signal (p.Glu1342Argfs*7) in the ATM gene. It is expected to result in an absent or disrupted protein product. Loss-of-function variants in ATM are known to be pathogenic (PMID: 23807571, 25614872).

Literature cited by the submitters: PubMed 23807571; PubMed 25614872.